The following is an entry in ClinVar:

NM_001018005.2(TPM1):c.341A>G (p.Glu114Gly)

Gene: TPM1 (tropomyosin 1; plus strand). Cytogenetic location: 15q22.2.
Variant type: single nucleotide variant.
Coding change: c.341A>G on transcript NM_001018005.2 (MANE Select); coding-DNA position 341, A replaced by G.
Protein change: p.Glu114Gly; replaces glutamic acid 114 with glycine.
Molecular consequence: missense variant.
Genome position (GRCh38, 1-based): chr15:63,057,085, A>G. VCF-style: chr15-63057085-A-G. GRCh37 (hg19) VCF-style: chr15-63349284-A-G.
Other names: c.341A>G, p.Glu114Gly (NM_000366.6, NM_001018004.2, NM_001018006.2 and 6 more transcripts); c.233A>G, p.Glu78Gly (NM_001018008.2, NM_001301289.2, NM_001330344.2 and 5 more transcripts); c.467A>G, p.Glu156Gly (NM_001365778.1); short protein forms E114G, E156G, E78G.
Identifiers: ClinVar variation 43415 (VCV000043415.5), dbSNP rs397516370, ClinGen allele CA017987.

ClinVar aggregate classification (germline): Likely pathogenic (1 of 4 stars; one submission).

Conditions:
Primary dilated cardiomyopathy (DCM). Also called: Dilated Cardiomyopathy. Identifiers: Orphanet 217604, MedGen C0007193, MeSH D002311, MONDO:0005021, HP:0001644. Inheritance: Various modes of inheritance.

Submission:

Laboratory for Molecular Medicine, Mass General Brigham Personalized Medicine
Classification: Likely pathogenic for Primary dilated cardiomyopathy. Last evaluated: 2011-11-14. Review status: criteria provided, single submitter. Criteria: LMM Criteria. Collection method: clinical testing. Allele origin: germline. Observed: 2 variant alleles.
Comment: This low frequency supports a pathogenic role. In addition, glutamic a cid (Glu) is highly conserved across evolutionarily distant species, increasing the likelihood that a change would not be tolerated. Finally, this variant was p redicted to be pathogenic using a computational tool, which was validated by our laboratory using a set of cardiomyopathy variants with well-established clinica l significance. This tool's pathogenic prediction is estimated to be correct 94% of the time (Jordan 2011). In summary, the Glu114Gly variant is likely to be pa thogenic, though segregation studies and functional analyses are required to est ablish this with certainty.

Literature cited by the submitters: PubMed 21310275.